The following is an entry in ClinVar:

ClinVar aggregate classification (germline): Uncertain significance (1 of 4 stars; one submission).

Conditions:
Cardiovascular phenotype. Identifiers: MedGen CN230736.

Allele frequency attached by ClinVar (database versions not stated): gnomAD exomes below 0.00001; TOPMed below 0.00001; ExAC 0.00001.
gnomAD v4.1: 7 of 1,614,144 alleles (0.00043%); highest among the groups gnomAD compares: East Asian, 0.013%; no homozygotes.

Submission:

Ambry Genetics
Classification: Uncertain significance for Cardiovascular phenotype. Last evaluated: 2021-12-03. Review status: criteria provided, single submitter. Criteria: Ambry Variant Classification Scheme 2023. Collection method: clinical testing. Allele origin: germline.
Comment: The p.G3640S variant (also known as c.10918G>A), located in coding exon 45 of the AKAP9 gene, results from a G to A substitution at nucleotide position 10918. The glycine at codon 3640 is replaced by serine, an amino acid with similar properties. This amino acid position is conserved. In addition, this alteration is predicted to be tolerated by in silico analysis. Since supporting evidence is limited at this time, the clinical significance of this alteration remains unclear.

NM_005751.5(AKAP9):c.10918G>A (p.Gly3640Ser)

Gene: AKAP9 (A-kinase anchoring protein 9; plus strand). Cytogenetic location: 7q21.2.
Variant type: single nucleotide variant.
Coding change: c.10918G>A on transcript NM_005751.5 (MANE Select); coding-DNA position 10918, G replaced by A.
Protein change: p.Gly3640Ser; replaces glycine 3640 with serine.
Molecular consequence: missense variant.
Genome position (GRCh38, 1-based): chr7:92,100,877, G>A. VCF-style: chr7-92100877-G-A. GRCh37 (hg19) VCF-style: chr7-91730191-G-A.
Other names: c.5563G>A, p.Gly1855Ser (NM_001379277.1); c.10894G>A, p.Gly3632Ser (NM_147185.3); short protein forms G1855S, G3640S, G3632S.
Identifiers: ClinVar variation 1789352 (VCV001789352.2), dbSNP rs765133006, ClinGen allele CA4338058.
Genomic context (GRCh38, chr7:92,100,877, plus strand): 5'-TCTTCAGAGACTTGTGTAAGTAGGCTGTGGTCTTTGCAGTCTTCCAGGTTTTCATTGAAT[G>A]GTGGTGCCAACATTGAAGCCATCATTGCCTCTGAAAAAGAAGTATGGAACAGAGAAAAAT-3'
Protein context (NP_005742.4, residues 3630-3650): RDNSSRFSLN[Gly3640Ser]GANIEAIIAS